The following is an entry in ClinVar:

ClinVar aggregate classification (germline): Benign/Likely benign. Review status: criteria provided, multiple submitters, no conflicts (2 of 4 stars). 8 submissions from 8 submitters: Benign (5); Likely benign (3). Last evaluated 2026-02-01.

Conditions:
Fanconi anemia complementation group P. Also called: SLX4-Related Fanconi Anemia. Identifiers: Orphanet 84, MedGen C3469542, MONDO:0013499, OMIM 613951.
Fanconi anemia (FA). Also called: Fanconi's anemia. Identifiers: Orphanet 84, MedGen C0015625, MeSH D005199, MONDO:0019391.

Allele frequency attached by ClinVar (database versions not stated): gnomAD 0.00921 and 0.00861; TOPMed 0.01033; 1000 Genomes Project 0.01038; gnomAD exomes 0.00100 and 0.00228; ExAC 0.00275; ESP Exome Variant Server 0.01077; 1000 Genomes Project 30x 0.01093.
gnomAD v4.1: 2,821 of 1,609,776 alleles (0.18%); highest among the groups gnomAD compares: African/African-American, 3.1%; 34 homozygotes.

Submissions (8):

Labcorp Genetics (formerly Invitae), Labcorp
Classification: Benign for Fanconi anemia. Last evaluated: 2026-02-01. Review status: criteria provided, single submitter. Criteria: Invitae Variant Classification Sherloc (09022015). Collection method: clinical testing. Allele origin: germline.

ARUP Laboratories, Molecular Genetics and Genomics, ARUP Laboratories
Classification: Benign for Fanconi anemia complementation group P. Last evaluated: 2024-12-20. Review status: criteria provided, single submitter. Criteria: ARUP Molecular Germline Variant Investigation Process 2024. Collection method: clinical testing. Allele origin: germline.

KCCC/NGS Laboratory, Kuwait Cancer Control Center
Classification: Benign for Fanconi anemia complementation group P. Last evaluated: 2023-07-07. Review status: criteria provided, single submitter. Criteria: ACMG Guidelines, 2015. Collection method: clinical testing. Allele origin: germline. Affected: yes.

GeneDx
Classification: Likely benign. Last evaluated: 2023-02-24. Review status: criteria provided, single submitter. Criteria: GeneDx Variant Classification Process June 2021. Collection method: clinical testing. Allele origin: germline. Affected: yes.
Comment: See Variant Classification Assertion Criteria.

Illumina Laboratory Services, Illumina
Classification: Benign for Fanconi anemia complementation group P. Last evaluated: 2018-01-13. Review status: criteria provided, single submitter. Criteria: ICSL Variant Classification Criteria 13 December 2019. Collection method: clinical testing. Allele origin: germline.
Comment: This variant was observed in the ICSL laboratory as part of a predisposition screen in an ostensibly healthy population. It had not been previously curated by ICSL or reported in the Human Gene Mutation Database (HGMD: prior to June 1st, 2018), and was therefore a candidate for classification through an automated scoring system. Utilizing variant allele frequency, disease prevalence and penetrance estimates, and inheritance mode, an automated score was calculated to assess if this variant is too frequent to cause the disease. Based on the score and internal cut-off values, a variant classified as benign is not then subjected to further curation. The score for this variant resulted in a classification of benign for this disease.

Center for Pediatric Genomic Medicine, Children's Mercy Hospital and Clinics
Classification: Likely benign. Last evaluated: 2017-02-08. Review status: criteria provided, single submitter. Criteria: ACMG Guidelines, 2015. Collection method: clinical testing. Allele origin: germline.
ClinVar note: Converted during submission from Likely Benign to Likely benign.

Breakthrough Genomics
Classification: Likely benign. Review status: criteria provided, single submitter. Criteria: ACMG Guidelines, 2015. Collection method: not provided. Allele origin: germline. Inheritance: Autosomal recessive inheritance. Affected: yes.

PreventionGenetics, part of Exact Sciences
Classification: Benign. Review status: criteria provided, single submitter. Criteria: ACMG Guidelines, 2015. Collection method: clinical testing. Allele origin: germline.

NM_032444.4(SLX4):c.4115G>A (p.Arg1372Gln)

Gene: SLX4 (SLX4 structure-specific endonuclease subunit; minus strand). Cytogenetic location: 16p13.3.
Variant type: single nucleotide variant.
Coding change: c.4115G>A on transcript NM_032444.4 (MANE Select); coding-DNA position 4115, G replaced by A.
Protein change: p.Arg1372Gln; replaces arginine 1372 with glutamine.
Molecular consequence: missense variant.
Genome position (GRCh38, 1-based): chr16:3,589,523, C>T on the plus strand (G>A on the coding strand, the complement: SLX4 is on the minus strand). VCF-style: chr16-3589523-C-T. GRCh37 (hg19) VCF-style: chr16-3639524-C-T.
Other names: c.4115G>A (LRG_503t1, NM_032444.3); short protein forms R1372Q.
Identifiers: ClinVar variation 241688 (VCV000241688.24), dbSNP rs79174372, ClinGen allele CA7865729.